The following is an entry in ClinVar:

NM_000836.4(GRIN2D):c.2752C>G (p.Pro918Ala)

Gene: GRIN2D (glutamate ionotropic receptor NMDA type subunit 2D; plus strand). Cytogenetic location: 19q13.33.
Variant type: single nucleotide variant.
Coding change: c.2752C>G on transcript NM_000836.4 (MANE Select); coding-DNA position 2752, C replaced by G.
Protein change: p.Pro918Ala; replaces proline 918 with alanine.
Molecular consequence: missense variant.
Genome position (GRCh38, 1-based): chr19:48,442,678, C>G. VCF-style: chr19-48442678-C-G. GRCh37 (hg19) VCF-style: chr19-48945935-C-G.
Other names: short protein forms P918A.
Identifiers: ClinVar variation 2230876 (VCV002230876.4), dbSNP rs2513691772, ClinGen allele CA406673452.

ClinVar aggregate classification (germline): Uncertain significance. Review status: criteria provided, multiple submitters, no conflicts (2 of 4 stars). 2 submissions from 2 submitters: Uncertain significance (2). Last evaluated 2025-07-13.

Conditions:
Inborn genetic diseases. Identifiers: MedGen C0950123, MeSH D030342.

Allele frequency attached by ClinVar (database versions not stated): gnomAD exomes below 0.00001.
gnomAD v4.1: 2 of 1,221,780 alleles (0.00016%); highest among the groups gnomAD compares: Non-Finnish European, 0.0002%; no homozygotes.

Submissions (2):

Labcorp Genetics (formerly Invitae), Labcorp
Classification: Uncertain significance. Last evaluated: 2025-07-13. Review status: criteria provided, single submitter. Criteria: Invitae Variant Classification Sherloc (09022015). Collection method: clinical testing. Allele origin: germline.
Comment: This sequence change replaces proline, which is neutral and non-polar, with alanine, which is neutral and non-polar, at codon 918 of the GRIN2D protein (p.Pro918Ala). This variant is not present in population databases (gnomAD no frequency). This variant has not been reported in the literature in individuals affected with GRIN2D-related conditions. ClinVar contains an entry for this variant (Variation ID: 2230876). Invitae Evidence Modeling of protein sequence and biophysical properties (such as structural, functional, and spatial information, amino acid conservation, physicochemical variation, residue mobility, and thermodynamic stability) indicates that this missense variant is not expected to disrupt GRIN2D protein function with a negative predictive value of 95%. In summary, the available evidence is currently insufficient to determine the role of this variant in disease. Therefore, it has been classified as a Variant of Uncertain Significance.

Ambry Genetics
Classification: Uncertain significance for Inborn genetic diseases. Last evaluated: 2021-05-16. Review status: criteria provided, single submitter. Criteria: Ambry Variant Classification Scheme 2023. Collection method: clinical testing. Allele origin: germline.